The following is an entry in ClinVar:

NM_000384.3(APOB):c.10154C>A (p.Thr3385Lys)

Gene: APOB (apolipoprotein B; minus strand). Cytogenetic location: 2p24.1.
Variant type: single nucleotide variant.
Coding change: c.10154C>A on transcript NM_000384.3 (MANE Select); coding-DNA position 10154, C replaced by A.
Protein change: p.Thr3385Lys; replaces threonine 3385 with lysine.
Molecular consequence: missense variant.
Genome position (GRCh38, 1-based): chr2:21,006,714, G>T on the plus strand (C>A on the coding strand, the complement: APOB is on the minus strand). VCF-style: chr2-21006714-G-T. GRCh37 (hg19) VCF-style: chr2-21229586-G-T.
Other names: c.10154C>A (NM_000384.2); short protein forms T3385K.
Identifiers: ClinVar variation 2930544 (VCV002930544.4), dbSNP rs1259653196, ClinGen allele CA345987297.

ClinVar aggregate classification (germline): Uncertain significance. Review status: criteria provided, multiple submitters, no conflicts (2 of 4 stars). 2 submissions from 2 submitters: Uncertain significance (2). Last evaluated 2025-04-14.

Conditions:
Hypercholesterolemia, autosomal dominant, type B (FHCL2). Also called: APOB-Related Familial Hypercholesterolemia, Autosomal Dominant; Familial Hypercholesterolemia Type B; APOLIPOPROTEIN B-100, FAMILIAL DEFECTIVE; APOLIPOPROTEIN B-100, FAMILIAL LIGAND-DEFECTIVE; HYPERCHOLESTEROLEMIA, FAMILIAL, DUE TO LIGAND-DEFECTIVE APOLIPOPROTEIN B; Hyperlipoproteinemia Type IIb. Identifiers: MedGen C1704417, MONDO:0007751, OMIM 144010.
Familial hypobetalipoproteinemia 1. Also called: Hypobetalipoproteinemia, normotriglyceridemic; Acanthocytosis with hypobetalipoproteinemia; APOB-Related Familial Hypobetalipoproteinemia. Identifiers: MedGen C4551990, MONDO:0014252, OMIM 615558.

Allele frequency attached by ClinVar (database versions not stated): gnomAD 0.00001; TOPMed 0.00001.
gnomAD v4.1: 45 of 1,613,880 alleles (0.0028%); highest among the groups gnomAD compares: Non-Finnish European, 0.0035%; no homozygotes.

Submissions (2):

GeneDx
Classification: Uncertain significance. Last evaluated: 2025-04-14. Review status: criteria provided, single submitter. Criteria: GeneDx Variant Classification Process June 2021. Collection method: clinical testing. Allele origin: germline. Affected: yes.
Comment: Not observed at significant frequency in large population cohorts (gnomAD); In silico analysis supports that this missense variant has a deleterious effect on protein structure/function; Has not been previously published as pathogenic or benign to our knowledge

Labcorp Genetics (formerly Invitae), Labcorp
Classification: Uncertain significance for Familial hypobetalipoproteinemia 1; Hypercholesterolemia, autosomal dominant, type B. Last evaluated: 2023-10-18. Review status: criteria provided, single submitter. Criteria: Invitae Variant Classification Sherloc (09022015). Collection method: clinical testing. Allele origin: germline.
Comment: This sequence change replaces threonine, which is neutral and polar, with lysine, which is basic and polar, at codon 3385 of the APOB protein (p.Thr3385Lys). This variant is present in population databases (no rsID available, gnomAD 0.0009%). This variant has not been reported in the literature in individuals affected with APOB-related conditions. Advanced modeling of protein sequence and biophysical properties (such as structural, functional, and spatial information, amino acid conservation, physicochemical variation, residue mobility, and thermodynamic stability) performed at Invitae indicates that this missense variant is not expected to disrupt APOB protein function. In summary, the available evidence is currently insufficient to determine the role of this variant in disease. Therefore, it has been classified as a Variant of Uncertain Significance.